The following is an entry in ClinVar:

ClinVar aggregate classification (germline): Uncertain significance (1 of 4 stars; one submission).

Allele frequency attached by ClinVar (database versions not stated): gnomAD exomes below 0.00001.
gnomAD v4.1: 1 of 1,572,406 alleles (0.000064%); highest among the groups gnomAD compares: Non-Finnish European, 0.000086%; no homozygotes.

Submission:

Ambry Genetics
Classification: Uncertain significance. Last evaluated: 2022-08-23. Review status: criteria provided, single submitter. Criteria: Ambry Variant Classification Scheme 2023. Collection method: clinical testing. Allele origin: germline.
Comment: The p.T206S variant (also known as c.617C>G), located in coding exon 6 of the PRKDC gene, results from a C to G substitution at nucleotide position 617. The threonine at codon 206 is replaced by serine, an amino acid with similar properties. This amino acid position is conserved. In addition, this alteration is predicted to be tolerated by in silico analysis. Since supporting evidence is limited at this time, the clinical significance of this alteration remains unclear.

NM_006904.7(PRKDC):c.617C>G (p.Thr206Ser)

Gene: PRKDC (protein kinase, DNA-activated, catalytic subunit; minus strand). Cytogenetic location: 8q11.21.
Variant type: single nucleotide variant.
Coding change: c.617C>G on transcript NM_006904.7 (MANE Select); coding-DNA position 617, C replaced by G.
Protein change: p.Thr206Ser; replaces threonine 206 with serine.
Molecular consequence: missense variant.
Genome position (GRCh38, 1-based): chr8:47,953,811, G>C on the plus strand (C>G on the coding strand, the complement: PRKDC is on the minus strand). VCF-style: chr8-47953811-G-C. GRCh37 (hg19) VCF-style: chr8-48866371-G-C.
Other names: c.617C>G, p.Thr206Ser (NM_001081640.2); short protein forms T206S.
Identifiers: ClinVar variation 1752050 (VCV001752050.2), dbSNP rs2551881783, ClinGen allele CA371138700.
Genomic context (GRCh38, chr8:47,953,811, plus strand): 5'-CAAGAGAAAAACACAACCACATCTATGGAAGCAGAATGTCATAAAGTTCATCATACCTGG[G>C]TCTTAAGTTCACCCAGAAAAGCGCGGAACAGGTTTTCTGCATTATTTATCATCTCACTAG-3'
Protein context (NP_008835.5, residues 196-216): LFRAFLGELK[Thr206Ser]QMTSAVREPK